The following is an entry in ClinVar:

ClinVar aggregate classification (germline): Uncertain significance. Review status: criteria provided, multiple submitters, no conflicts (2 of 4 stars). 2 submissions from 2 submitters: Uncertain significance (2). Last evaluated 2026-03-03.

Conditions:
Neurodevelopmental disorder with motor and language delay, ocular defects, and brain abnormalities (NEDMLOB). Identifiers: MedGen C5830596, MONDO:0957386, OMIM 620428.

gnomAD v4.1: 9 of 1,550,014 alleles (0.00058%); highest among the groups gnomAD compares: South Asian, 0.0048%; no homozygotes.

Submissions (2):

Victorian Clinical Genetics Services, Murdoch Childrens Research Institute
Classification: Uncertain significance for Neurodevelopmental disorder with motor and language delay, ocular defects, and brain abnormalities. Last evaluated: 2026-03-03. Review status: criteria provided, single submitter. Criteria: ACMG Guidelines, 2015. Collection method: clinical testing. Allele origin: germline. Affected: yes.
Comment: This variant is classified as VUS-3C. Evidence in support of pathogenic classification: Variant is present in gnomAD <0.01 for a recessive condition (v4: 9 heterozygote(s), 0 homozygote(s)). Evidence in support of benign classification: Abnormal splicing is not predicted and nucleotide is poorly conserved. Additional information: Non-coding variant without known or predicted effect. This variant is annotated as NM_001256462.2:c.139+2C>T in an alternative transcript. However this alternate transcript is not expressed (GTEx) and no variants in the adjacent exon have been submitted to ClinVar by clinical laboratories; This variant is heterozygous; This gene is associated with autosomal recessive disease; Alternative nucleotide change(s) at the same nucleotide are present in gnomAD (highest allele count: v4: 2 heterozygote(s), 0 homozygote(s)); This variant has no previous evidence of pathogenicity; No published evidence of segregation with disease has been identified for this variant; No published functional evidence has been identified for this variant; No comparable intronic variants have previous evidence for pathogenicity; Loss of function is a known mechanism of disease in this gene and is associated with neurodevelopmental disorder with motor and language delay, ocular defects, and brain abnormalities (MIM#620428).

3billion
Classification: Uncertain significance for Neurodevelopmental disorder with motor and language delay, ocular defects, and brain abnormalities. Last evaluated: 2025-08-06. Review status: criteria provided, single submitter. Criteria: ACMG Guidelines, 2015. Collection method: clinical testing. Allele origin: germline. Affected: yes.
Comment: The variant is observed at an extremely low frequency in the gnomAD v4.1.0 dataset (total allele frequency: <0.001%). Predicted Consequence/Location: Intron variant In silico tools predict the variant to alter splicing and produce an abnormal transcript [SpliceAI: 0.65 (>=0.2, moderate evidence for spliceogenicity)]. Therefore, this variant is classified as VUS according to the recommendation of ACMG/AMP guideline.

NM_017871.6(INTS11):c.28+1406C>T

Gene: INTS11 (integrator complex subunit 11; minus strand). Cytogenetic location: 1p36.33.
Variant type: single nucleotide variant.
Coding change: c.28+1406C>T on transcript NM_017871.6 (MANE Select); 1406 bases into the intron after coding-DNA position 28, C replaced by T.
Molecular consequence: intron variant. On other transcripts: 5 prime UTR variant (1), splice donor variant (1).
Genome position (GRCh38, 1-based): chr1:1,323,175, G>A on the plus strand (C>T on the coding strand, the complement: INTS11 is on the minus strand). VCF-style: chr1-1323175-G-A. GRCh37 (hg19) VCF-style: chr1-1258555-G-A.
Other names: c.-315C>T (NM_001256456.2); c.28+1406C>T (NM_001256463.2); c.-60+6C>T (NM_001256460.2); c.139+2C>T (NM_001256462.2).
Identifiers: ClinVar variation 4845336 (VCV004845336.3).